The following is an entry in ClinVar:

ClinVar aggregate classification (germline): Pathogenic (1 of 4 stars; one submission).

Conditions:
Polycystic kidney disease. Also called: Kidney, Polycystic; Polycystic kidney dysplasia. Identifiers: MedGen C0022680, MeSH D007690, MONDO:0020642, HP:0000113.

Submission:

Clinical Genetics Laboratory, Skane University Hospital Lund
Classification: Pathogenic for Polycystic kidney disease. Last evaluated: 2026-05-18. Review status: criteria provided, single submitter. Criteria: ACMG Guidelines, 2015. Collection method: clinical testing. Allele origin: germline. Affected: yes.
Comment: ACMG criteria used: PVS1, PM2, PP1 and PP4_strong

NM_001009944.3(PKD1):c.8526C>G (p.Tyr2842Ter)

Gene: PKD1 (polycystin 1, transient receptor potential channel interacting; minus strand). Cytogenetic location: 16p13.3.
Variant type: single nucleotide variant.
Coding change: c.8526C>G on transcript NM_001009944.3 (MANE Select); coding-DNA position 8526, C replaced by G.
Protein change: p.Tyr2842Ter; replaces tyrosine 2842 with a stop codon.
Molecular consequence: nonsense.
Genome position (GRCh38, 1-based): chr16:2,103,531, G>C on the plus strand (C>G on the coding strand, the complement: PKD1 is on the minus strand). VCF-style: chr16-2103531-G-C. GRCh37 (hg19) VCF-style: chr16-2153532-G-C.
Other names: c.8526C>G, p.Tyr2842Ter (NM_000296.4); short protein forms Y2842*.
Identifiers: ClinVar variation 4850881 (VCV004850881.1).